The following is an entry in ClinVar:

ClinVar aggregate classification (germline): Uncertain significance (1 of 4 stars; one submission).

Conditions:
Familial cold autoinflammatory syndrome 3 (FCAS3). Also called: ANTIBODY DEFICIENCY AND IMMUNE DYSREGULATION, PLCG2-ASSOCIATED; FAMILIAL ATYPICAL COLD URTICARIA. Identifiers: Orphanet 300359, MedGen C3280914, MONDO:0013766, OMIM 614468.

Allele frequency attached by ClinVar (database versions not stated): gnomAD exomes below 0.00001.
gnomAD v4.1: 4 of 1,613,996 alleles (0.00025%); highest among the groups gnomAD compares: Non-Finnish European, 0.00025%; no homozygotes.

Submission:

Labcorp Genetics (formerly Invitae), Labcorp
Classification: Uncertain significance for Familial cold autoinflammatory syndrome 3. Last evaluated: 2024-10-15. Review status: criteria provided, single submitter. Criteria: Invitae Variant Classification Sherloc (09022015). Collection method: clinical testing. Allele origin: germline.
Comment: This sequence change replaces leucine, which is neutral and non-polar, with isoleucine, which is neutral and non-polar, at codon 1196 of the PLCG2 protein (p.Leu1196Ile). This variant is not present in population databases (gnomAD no frequency). This variant has not been reported in the literature in individuals affected with PLCG2-related conditions. ClinVar contains an entry for this variant (Variation ID: 1019174). An algorithm developed to predict the effect of missense changes on protein structure and function (PolyPhen-2) suggests that this variant is likely to be disruptive. In summary, the available evidence is currently insufficient to determine the role of this variant in disease. Therefore, it has been classified as a Variant of Uncertain Significance.

NM_002661.5(PLCG2):c.3586C>A (p.Leu1196Ile)

Gene: PLCG2 (phospholipase C gamma 2; plus strand). Cytogenetic location: 16q23.3.
Variant type: single nucleotide variant.
Coding change: c.3586C>A on transcript NM_002661.5 (MANE Select); coding-DNA position 3586, C replaced by A.
Protein change: p.Leu1196Ile; replaces leucine 1196 with isoleucine.
Molecular consequence: missense variant.
Genome position (GRCh38, 1-based): chr16:81,956,710, C>A. VCF-style: chr16-81956710-C-A. GRCh37 (hg19) VCF-style: chr16-81990315-C-A.
Other names: short protein forms L1196I.
Identifiers: ClinVar variation 1019174 (VCV001019174.8), dbSNP rs1338237295, ClinGen allele CA396898196.